The following is an entry in ClinVar:

NM_014233.4(UBTF):c.1515+6_1515+7del

Genes: ATXN7L3-AS1 (ATXN7L3 antisense RNA 1; plus strand), UBTF (upstream binding transcription factor; minus strand). Cytogenetic location: 17q21.31.
Variant type: Deletion.
Coding change: c.1515+6_1515+7del on transcript NM_014233.4 (MANE Select); bases 6 to 7 of the intron after coding-DNA position 1515, 2 bases deleted (AG; older notation c.1515+6_1515+7delAG).
Molecular consequence: intron variant.
Genome position (GRCh38, 1-based): chr17:44,210,311-44,210,312, CT deleted on the plus strand (AG on the coding strand, the reverse complement: UBTF is on the minus strand). VCF-style (leftmost placement, unchanged base first): chr17-44210310-CCT-C. GRCh37 (hg19) VCF-style: chr17-42287678-CCT-C.
Other names: c.1404+6_1404+7del (NM_001076683.2, NM_001076684.3).
Identifiers: ClinVar variation 3051054 (VCV003051054.3), dbSNP rs778502726, ClinGen allele CA8599463.
Genomic context (GRCh38, chr17:44,210,310, plus strand): 5'-GGTATCAGCCGTGGGAGGGGTCACCCGGGGCTAGAGGCTGCAGTACTACCCTTTCCCACC[CCT>C]GTCACCTTGAAGCGGGCCAGGTAGTCGCCGATAACGCTCTGTTGCCAGATCTCCTCAGCT-3'

ClinVar aggregate classification (germline): Likely benign. Review status: criteria provided, single submitter (1 of 4 stars). 2 submissions from 2 submitters: Likely benign (1). 1 of the submissions does not count toward it. Last evaluated 2024-11-15.

Conditions:
UBTF-related disorder. Also called: UBTF-related condition.

Allele frequency attached by ClinVar (database versions not stated): ExAC 0.00059; ESP Exome Variant Server 0.00008; gnomAD 0.00037; TOPMed 0.00041; gnomAD exomes 0.00046.

Submissions (2):

Blueprint Genetics
Classification: Likely benign. Last evaluated: 2024-11-15. Review status: criteria provided, single submitter. Criteria: ACMG Guidelines, 2015. Collection method: clinical testing. Allele origin: germline.

PreventionGenetics, part of Exact Sciences
Classification: Likely benign for UBTF-related condition. Last evaluated: 2022-05-14. Review status: no assertion criteria provided. Collection method: clinical testing. Allele origin: germline. Not counted in ClinVar's aggregate classification.
Comment: This variant is classified as likely benign based on ACMG/AMP sequence variant interpretation guidelines (Richards et al. 2015 PMID: 25741868, with internal and published modifications).